The following is an entry in ClinVar:

NM_139076.3(ABRAXAS1):c.125A>G (p.Lys42Arg)

Gene: ABRAXAS1 (abraxas 1, BRCA1 A complex subunit; minus strand). Cytogenetic location: 4q21.23.
Variant type: single nucleotide variant.
Coding change: c.125A>G on transcript NM_139076.3 (MANE Select); coding-DNA position 125, A replaced by G.
Protein change: p.Lys42Arg; replaces lysine 42 with arginine.
Molecular consequence: missense variant. On other transcripts: 5 prime UTR variant (1).
Genome position (GRCh38, 1-based): chr4:83,482,207, T>C on the plus strand (A>G on the coding strand, the complement: ABRAXAS1 is on the minus strand). VCF-style: chr4-83482207-T-C. GRCh37 (hg19) VCF-style: chr4-84403360-T-C.
Other names: p.K42R:AAG>AGG; c.-136A>G (NM_001345962.2); short protein forms K42R.
Identifiers: ClinVar variation 128218 (VCV000128218.26), dbSNP rs201948472, ClinGen allele CA288639.

ClinVar aggregate classification (germline): Conflicting classifications of pathogenicity. Review status: criteria provided, conflicting classifications (1 of 4 stars). 4 submissions from 4 submitters: Uncertain significance (2); Likely benign (2). Last evaluated 2025-10-22.

Conditions:
Hereditary cancer-predisposing syndrome. Also called: Hereditary neoplastic syndrome; Neoplastic Syndromes, Hereditary; Hereditary Cancer Syndrome; Tumor predisposition. Identifiers: Orphanet 140162, MedGen C0027672, MeSH D009386, MONDO:0015356.

Allele frequency attached by ClinVar (database versions not stated): ESP Exome Variant Server 0.00008; ExAC 0.00022; gnomAD 0.00027 and 0.00028; TOPMed 0.00029; gnomAD exomes 0.00030.
gnomAD v4.1: 480 of 1,612,592 alleles (0.03%); highest among the groups gnomAD compares: Non-Finnish European, 0.033%; no homozygotes.

Submissions (4):

Labcorp Genetics (formerly Invitae), Labcorp
Classification: Likely benign. Last evaluated: 2025-10-22. Review status: criteria provided, single submitter. Criteria: Invitae Variant Classification Sherloc (09022015). Collection method: clinical testing. Allele origin: germline.

GeneKor MSA
Classification: Uncertain significance for Hereditary cancer-predisposing syndrome. Last evaluated: 2018-08-01. Review status: criteria provided, single submitter. Criteria: ACMG Guidelines, 2015. Collection method: clinical testing. Allele origin: germline. Affected: yes.

Women's Health and Genetics/Laboratory Corporation of America, LabCorp
Classification: Likely benign. Last evaluated: 2016-08-15. Review status: criteria provided, single submitter. Criteria: LabCorp Variant Classification Summary - May 2015. Collection method: clinical testing. Allele origin: germline.
Comment: Variant summary: The FAM175A c.125A>G (p.Lys42Arg) variant involves the alteration of a conserved nucleotide. 2/4 in silico tools predict a benign outcome for this variant (SNPs&GO not captured due to low reliability index). This variant was found in 28/122744 control chromosomes, predominantly observed in the European (Non-Finnish) subpopulation at a frequency of 0.0011211 (1/892). This frequency is about 12 times the estimated maximal expected allele frequency of a pathogenic FAM175A variant (0.0000313), suggesting this is likely a benign polymorphism found primarily in the populations of European (Non-Finnish) origin. This variant has been reported in one BrC pt without strong evidence for causality. In addition, one clinical diagnostic lab classified this variant as uncertain significance, without evidence to independently evaluate. Taken together, this variant is classified as likely benign unitl more evidence becomes available.

GeneDx
Classification: Uncertain significance. Last evaluated: 2014-01-23. Review status: criteria provided, single submitter. Criteria: GeneDx Variant Classification (06012015). Collection method: clinical testing. Allele origin: germline. Affected: yes.
Comment: FAM175A has been only recently described in association with cancer predisposition and the risks are not well understood. This variant is denoted FAM175A c.125A>G at the cDNA level, p.Lys42Arg (K42R) at the protein level, and results in the change of a Lysine to an Arginine (AAG>AGG). This variant has not, to our knowledge, been published in the literature as pathogenic or benign. FAM175A Lys42Arg was not observed at a significant allele frequency in the NHLBI Exome Sequencing Project. This variant is a conservative substitution of one positive polar amino acid for another, altering a position that is well conserved throughout evolution and is located in within the MPN-like domain. In silico analyses are inconsistent with regard to the effect this variant may have on protein structure and function. On a molecular level, the impact of this missense variant on protein structure and function is not known and thus we consider this to be a variant of uncertain significance. Furthermore, based on the currently available information, cancer risks associated with this variant, and the FAM175A gene, remain unclear.

Literature cited by the submitters: PubMed 27270457 (cited by Women's Health and Genetics/Laboratory Corporation of America, LabCorp).